The following is an entry in ClinVar:

ClinVar aggregate classification (germline): Uncertain significance. Review status: criteria provided, multiple submitters, no conflicts (2 of 4 stars). 2 submissions from 2 submitters: Uncertain significance (2). Last evaluated 2024-11-10.

Allele frequency attached by ClinVar (database versions not stated): ExAC 0.00002; gnomAD exomes 0.00007; ESP Exome Variant Server 0.00008; TOPMed 0.00012; gnomAD 0.00014.
gnomAD v4.1: 121 of 1,608,616 alleles (0.0075%); highest among the groups gnomAD compares: Admixed American, 0.035%; no homozygotes.

Submissions (2):

Ambry Genetics
Classification: Uncertain significance. Last evaluated: 2024-11-10. Review status: criteria provided, single submitter. Criteria: Ambry Variant Classification Scheme 2023. Collection method: clinical testing. Allele origin: germline.

Labcorp Genetics (formerly Invitae), Labcorp
Classification: Uncertain significance. Last evaluated: 2023-03-10. Review status: criteria provided, single submitter. Criteria: Invitae Variant Classification Sherloc (09022015). Collection method: clinical testing. Allele origin: germline.
Comment: In summary, the available evidence is currently insufficient to determine the role of this variant in disease. Therefore, it has been classified as a Variant of Uncertain Significance. An algorithm developed to predict the effect of missense changes on protein structure and function (PolyPhen-2) suggests that this variant is likely to be disruptive. ClinVar contains an entry for this variant (Variation ID: 848965). This variant has not been reported in the literature in individuals affected with AHR-related conditions. This variant is present in population databases (rs372336741, gnomAD 0.03%). This sequence change replaces serine, which is neutral and polar, with phenylalanine, which is neutral and non-polar, at codon 186 of the AHR protein (p.Ser186Phe).

NM_001621.5(AHR):c.557C>T (p.Ser186Phe)

Gene: AHR (aryl hydrocarbon receptor; plus strand). Cytogenetic location: 7p21.1.
Variant type: single nucleotide variant.
Coding change: c.557C>T on transcript NM_001621.5 (MANE Select); coding-DNA position 557, C replaced by T.
Protein change: p.Ser186Phe; replaces serine 186 with phenylalanine.
Molecular consequence: missense variant.
Genome position (GRCh38, 1-based): chr7:17,330,058, C>T. VCF-style: chr7-17330058-C-T. GRCh37 (hg19) VCF-style: chr7-17369682-C-T.
Other names: short protein forms S186F.
Identifiers: ClinVar variation 848965 (VCV000848965.8), dbSNP rs372336741, ClinGen allele CA4171867.
Genomic context (GRCh38, chr7:17,330,058, plus strand): 5'-ACCGAGCTGAATTTCAGCGTCAGCTACACTGGGCATTAAATCCTTCTCAGTGTACAGAGT[C>T]TGGACAAGGAATTGAAGGTAAGAATTGATGGTACAAAAAATAGTGTTGGTAGTTTTTAAA-3'
Protein context (NP_001612.1, residues 176-196): WALNPSQCTE[Ser186Phe]GQGIEEATGL